The following is an entry in ClinVar:

ClinVar aggregate classification (germline): Uncertain significance (1 of 4 stars; one submission).

Conditions:
Familial adenomatous polyposis 1 (FAP1). Also called: POLYPOSIS, ADENOMATOUS INTESTINAL; FAMILIAL ADENOMATOUS POLYPOSIS 1, ATTENUATED. Identifiers: MedGen C2713442, MONDO:0021056, OMIM 175100. Disease mechanism: loss of function.

Submission:

Labcorp Genetics (formerly Invitae), Labcorp
Classification: Uncertain significance for Familial adenomatous polyposis 1. Last evaluated: 2019-06-24. Review status: criteria provided, single submitter. Criteria: Invitae Variant Classification Sherloc (09022015). Collection method: clinical testing. Allele origin: germline.
Comment: In summary, the available evidence is currently insufficient to determine the role of this variant in disease. Therefore, it has been classified as a Variant of Uncertain Significance. Algorithms developed to predict the effect of missense changes on protein structure and function (SIFT, PolyPhen-2, Align-GVGD) all suggest that this variant is likely to be disruptive, but these predictions have not been confirmed by published functional studies and their clinical significance is uncertain. This variant has not been reported in the literature in individuals with APC-related conditions. This variant is not present in population databases (ExAC no frequency). This sequence change replaces serine with glycine at codon 2244 of the APC protein (p.Ser2244Gly). The serine residue is highly conserved and there is a small physicochemical difference between serine and glycine.

NM_000038.6(APC):c.6730A>G (p.Ser2244Gly)

Gene: APC (APC regulator of Wnt signaling pathway; plus strand). Cytogenetic location: 5q22.2.
Variant type: single nucleotide variant.
Coding change: c.6730A>G on transcript NM_000038.6 (MANE Select); coding-DNA position 6730, A replaced by G.
Protein change: p.Ser2244Gly; replaces serine 2244 with glycine.
Molecular consequence: missense variant.
Genome position (GRCh38, 1-based): chr5:112,842,324, A>G. VCF-style: chr5-112842324-A-G. GRCh37 (hg19) VCF-style: chr5-112178021-A-G.
Other names: c.6730A>G, p.Ser2244Gly (NM_001127510.3, NM_001354895.2); c.6676A>G, p.Ser2226Gly (NM_001127511.3); c.6784A>G, p.Ser2262Gly (NM_001354896.2); c.6760A>G, p.Ser2254Gly (NM_001354897.2); c.6655A>G, p.Ser2219Gly (NM_001354898.2); c.6646A>G, p.Ser2216Gly (NM_001354899.2); c.6607A>G, p.Ser2203Gly (NM_001354900.2); c.6553A>G, p.Ser2185Gly (NM_001354901.2); and 5 more; short protein forms S2143G, S2185G, S2203G, S2244G, S2262G, S2084G, S2216G, S2219G.
Identifiers: ClinVar variation 943160 (VCV000943160.11), dbSNP rs1766286576, ClinGen allele CA16036038.